The following is an entry in ClinVar:

ClinVar aggregate classification (germline): Uncertain significance (1 of 4 stars; one submission).

Allele frequency attached by ClinVar (database versions not stated): gnomAD 0.00002 and 0.00003; gnomAD exomes 0.00003 and 0.00004; ExAC 0.00006; TOPMed 0.00006.
gnomAD v4.1: 52 of 1,609,972 alleles (0.0032%); highest among the groups gnomAD compares: East Asian, 0.036%; no homozygotes.

Submission:

Labcorp Genetics (formerly Invitae), Labcorp
Classification: Uncertain significance. Last evaluated: 2021-04-13. Review status: criteria provided, single submitter. Criteria: Invitae Variant Classification Sherloc (09022015). Collection method: clinical testing. Allele origin: germline.
Comment: This sequence change replaces arginine with glutamine at codon 38 of the PAM16 protein (p.Arg38Gln). The arginine residue is moderately conserved and there is a small physicochemical difference between arginine and glutamine. This variant is present in population databases (rs774768218, ExAC 0.04%). This variant has not been reported in the literature in individuals with PAM16-related conditions. Algorithms developed to predict the effect of missense changes on protein structure and function (SIFT, PolyPhen-2, Align-GVGD) all suggest that this variant is likely to be tolerated, but these predictions have not been confirmed by published functional studies and their clinical significance is uncertain. In summary, the available evidence is currently insufficient to determine the role of this variant in disease. Therefore, it has been classified as a Variant of Uncertain Significance.

NM_016069.11(PAM16):c.113G>A (p.Arg38Gln)

Genes: CORO7-PAM16 (CORO7-PAM16 readthrough; minus strand), PAM16 (presequence translocase associated motor 16; minus strand). Cytogenetic location: 16p13.3.
Variant type: single nucleotide variant.
Coding change: c.113G>A on transcript NM_016069.11 (MANE Select); coding-DNA position 113, G replaced by A.
Protein change: p.Arg38Gln; replaces arginine 38 with glutamine.
Molecular consequence: missense variant.
Genome position (GRCh38, 1-based): chr16:4,341,480, C>T on the plus strand (G>A on the coding strand, the complement: PAM16 is on the minus strand). VCF-style: chr16-4341480-C-T. GRCh37 (hg19) VCF-style: chr16-4391481-C-T.
Other names: c.2882G>A, p.Arg961Gln (NM_001201479.2); short protein forms R961Q, R38Q.
Identifiers: ClinVar variation 1438601 (VCV001438601.7), dbSNP rs774768218, ClinGen allele CA7873448.
Genomic context (GRCh38, chr16:4,341,480, plus strand): 5'-TCCTGGAGGCTGAGGCCGGAGAGGTTGGAAGCGGCTGCAGACCGGTGTCCAGCGCGTCCT[C>T]GGGCATCAGCTGCGGCCCGGCTGGCTGTGTGGACATGTGGGTGATCGCTCAGTCCTCAGC-3'
Protein context (NP_057153.8, residues 28-48): FAASRAAADA[Arg38Gln]GRAGHRSAAA